The following is an entry in ClinVar:

ClinVar aggregate classification (germline): Uncertain significance. Review status: reviewed by expert panel (3 of 4 stars). 9 submissions from 9 submitters: Uncertain significance (1). 8 of the submissions do not count toward it. Last evaluated 2025-11-06.

Conditions:
ITGA2B-related disorder. Also called: ITGA2B-related condition; ITGA2B-related disorders.
Inborn genetic diseases. Identifiers: MedGen C0950123, MeSH D030342.
Glanzmann thrombasthenia. Also called: THROMBASTHENIA OF GLANZMANN AND NAEGELI; Thrombasthenia; Glanzmann's thrombasthenia; PLATELET GLYCOPROTEIN IIb-IIIa DEFICIENCY. Identifiers: Orphanet 849, MedGen C0040015, MONDO:0100326.

Allele frequency attached by ClinVar (database versions not stated): gnomAD exomes 0.00013 and 0.00014; gnomAD 0.00014; ExAC 0.00019; TOPMed 0.00019; ESP Exome Variant Server 0.00023.

Submissions (9):

ClinGen Platelet Disorders Variant Curation Expert Panel, ClinGen
Classification: Uncertain significance for Glanzmann thrombasthenia. Last evaluated: 2025-11-06. Review status: reviewed by expert panel. Criteria: ClinGen Platelet ACMG Specifications v2-1. Collection method: curation. Allele origin: germline. Inheritance: Autosomal recessive inheritance.
Comment: The NM_000419.5:c.457G>A variant in ITGA2B is a missense variant predicted to cause substitution of Alanine by Threonine at amino acid 153 (p.Ala153Thr). No ACMG codes could be applied to this variant under the PD VCEP rules. In summary, this variant meets the criteria to be classified as Uncertain significance - insufficient evidence for autosomal recessive Glanzmann Thrombasthenia based on the ACMG/AMP criteria applied, as specified by the ClinGen PD VCEP (VCEP specifications version 2).

PreventionGenetics, part of Exact Sciences
Classification: Uncertain significance for ITGA2B-related condition. Last evaluated: 2025-12-31. Review status: criteria provided, single submitter. Criteria: ACMG Guidelines, 2015. Collection method: clinical testing. Allele origin: germline. Not counted in ClinVar's aggregate classification.
Comment: The ITGA2B c.457G>A variant is predicted to result in the amino acid substitution p.Ala153Thr. To our knowledge, this variant has not been reported in the literature. This variant is reported in 0.023% of alleles in individuals of European (Non-Finnish) descent in gnomAD. At this time, the clinical significance of this variant is uncertain due to the absence of conclusive functional and genetic evidence.

Labcorp Genetics (formerly Invitae), Labcorp
Classification: Uncertain significance for Glanzmann thrombasthenia. Last evaluated: 2025-09-19. Review status: criteria provided, single submitter. Criteria: Invitae Variant Classification Sherloc (09022015). Collection method: clinical testing. Allele origin: germline. Not counted in ClinVar's aggregate classification.
Comment: This sequence change replaces alanine, which is neutral and non-polar, with threonine, which is neutral and polar, at codon 153 of the ITGA2B protein (p.Ala153Thr). This variant is present in population databases (rs199641871, gnomAD 0.02%). This variant has not been reported in the literature in individuals affected with ITGA2B-related conditions. ClinVar contains an entry for this variant (Variation ID: 634433). Invitae Evidence Modeling of protein sequence and biophysical properties (such as structural, functional, and spatial information, amino acid conservation, physicochemical variation, residue mobility, and thermodynamic stability) indicates that this missense variant is expected to disrupt ITGA2B protein function with a positive predictive value of 95%. In summary, the available evidence is currently insufficient to determine the role of this variant in disease. Therefore, it has been classified as a Variant of Uncertain Significance.

Blueprint Genetics
Classification: Uncertain significance. Last evaluated: 2024-10-17. Review status: criteria provided, single submitter. Criteria: ACMG Guidelines, 2015. Collection method: clinical testing. Allele origin: germline. Not counted in ClinVar's aggregate classification.

Mayo Clinic Laboratories, Mayo Clinic
Classification: Uncertain significance. Last evaluated: 2024-09-23. Review status: criteria provided, single submitter. Criteria: ACMG Guidelines, 2015. Collection method: clinical testing. Allele origin: germline. Observed: 1 variant allele. Not counted in ClinVar's aggregate classification.

Women's Health and Genetics/Laboratory Corporation of America, LabCorp
Classification: Uncertain significance. Last evaluated: 2024-07-22. Review status: criteria provided, single submitter. Criteria: LabCorp Variant Classification Summary - May 2015. Collection method: clinical testing. Allele origin: germline. Not counted in ClinVar's aggregate classification.
Comment: Variant summary: ITGA2B c.457G>A (p.Ala153Thr) results in a non-conservative amino acid change in the encoded protein sequence. Five of five in-silico tools predict a damaging effect of the variant on protein function. The variant allele was found at a frequency of 0.00014 in 249070 control chromosomes (gnomAD). To our knowledge, no occurrence of c.457G>A in individuals affected with ITGA2B-Related Disorders and no experimental evidence demonstrating its impact on protein function have been reported. ClinVar contains an entry for this variant (Variation ID: 634433). Based on the evidence outlined above, the variant was classified as uncertain significance.

CeGaT Center for Human Genetics Tuebingen
Classification: Uncertain significance. Last evaluated: 2023-10-01. Review status: criteria provided, single submitter. Criteria: CeGaT Center For Human Genetics Tuebingen Variant Classification Criteria Version 2. Collection method: clinical testing. Allele origin: germline. Affected: yes. Observed: 1 variant allele. Not counted in ClinVar's aggregate classification.

Ambry Genetics
Classification: Uncertain significance for Inborn genetic diseases. Last evaluated: 2022-12-02. Review status: criteria provided, single submitter. Criteria: Ambry Variant Classification Scheme 2023. Collection method: clinical testing. Allele origin: germline. Not counted in ClinVar's aggregate classification.

Genomic Research Center, Shahid Beheshti University of Medical Sciences
Classification: Uncertain significance. Last evaluated: 2019-01-01. Review status: criteria provided, single submitter. Criteria: ACMG Guidelines, 2015. Collection method: clinical testing. Allele origin: unknown. Affected: no. Observed: 1 variant allele. Not counted in ClinVar's aggregate classification.

NM_000419.5(ITGA2B):c.457G>A (p.Ala153Thr)

Gene: ITGA2B (integrin subunit alpha 2b; minus strand). Cytogenetic location: 17q21.31.
Variant type: single nucleotide variant.
Coding change: c.457G>A on transcript NM_000419.5 (MANE Select); coding-DNA position 457, G replaced by A.
Protein change: p.Ala153Thr; replaces alanine 153 with threonine.
Molecular consequence: missense variant.
Genome position (GRCh38, 1-based): chr17:44,385,668, C>T on the plus strand (G>A on the coding strand, the complement: ITGA2B is on the minus strand). VCF-style: chr17-44385668-C-T. GRCh37 (hg19) VCF-style: chr17-42463036-C-T.
Other names: NM_000419.5(ITGA2B):c.457G>A; p.Ala153Thr; c.457G>A (NM_000419.3); short protein forms A153T.
Identifiers: ClinVar variation 634433 (VCV000634433.40), dbSNP rs199641871, ClinGen allele CA8603459.